The following is an entry in ClinVar:

ClinVar aggregate classification (germline): Uncertain significance (1 of 4 stars; one submission).

Conditions:
Cardiovascular phenotype. Identifiers: MedGen CN230736.

Submission:

Ambry Genetics
Classification: Uncertain significance for Cardiovascular phenotype. Last evaluated: 2023-12-07. Review status: criteria provided, single submitter. Criteria: Ambry Variant Classification Scheme 2023. Collection method: clinical testing. Allele origin: germline.
Comment: The p.K686M variant (also known as c.2057A>T), located in coding exon 10 of the MYPN gene, results from an A to T substitution at nucleotide position 2057. The lysine at codon 686 is replaced by methionine, an amino acid with similar properties. This amino acid position is conserved. In addition, this alteration is predicted to be tolerated by in silico analysis. Since supporting evidence is limited at this time, the clinical significance of this alteration remains unclear.

NM_032578.4(MYPN):c.2057A>T (p.Lys686Met)

Gene: MYPN (myopalladin; plus strand). Cytogenetic location: 10q21.3.
Variant type: single nucleotide variant.
Coding change: c.2057A>T on transcript NM_032578.4 (MANE Select); coding-DNA position 2057, A replaced by T.
Protein change: p.Lys686Met; replaces lysine 686 with methionine.
Molecular consequence: missense variant. On other transcripts: non-coding transcript variant (2).
Genome position (GRCh38, 1-based): chr10:68,174,149, A>T. VCF-style: chr10-68174149-A-T. GRCh37 (hg19) VCF-style: chr10-69933906-A-T.
Other names: c.2057A>T, p.Lys686Met (NM_001256267.2); c.1175A>T, p.Lys392Met (NM_001256268.2); short protein forms K392M, K686M.
Identifiers: ClinVar variation 3228158 (VCV003228158.1), dbSNP rs2043187165, ClinGen allele CA376844176.